The following is an entry in ClinVar:

ClinVar aggregate classification (germline): Uncertain significance (1 of 4 stars; one submission).

Conditions:
Colorectal cancer. Also called: Colorectal cancer, somatic; Malignant Colorectal Neoplasm. Identifiers: MedGen C0346629, MONDO:0005575, OMIM 114500.

Submission:

Dasa
Classification: Uncertain significance for colorectal cancer. Last evaluated: 2025-12-05. Review status: criteria provided, single submitter. Criteria: DASA Assertion Criteria. Collection method: clinical testing. Allele origin: germline.
Comment: NM_000136.3(FANCC):c.-79+109C>T is an intronic variant. This variant is rare in population databases. Computational prediction algorithms are consistent with a deleterious effect. The currently available literature and clinical evidence are not sufficient to establish a definitive association between this variant and the reported condition. Therefore, this variant is classified as a variant of uncertain significance.

NM_000136.3(FANCC):c.-79+109C>T

Gene: FANCC (FA complementation group C; minus strand). Cytogenetic location: 9q22.32.
Variant type: single nucleotide variant.
Coding change: c.-79+109C>T on transcript NM_000136.3 (MANE Select); 109 bases into the intron after 79 bases upstream of the start codon, C replaced by T.
Molecular consequence: intron variant.
Genome position (GRCh38, 1-based): chr9:95,317,417, G>A on the plus strand (C>T on the coding strand, the complement: FANCC is on the minus strand). VCF-style: chr9-95317417-G-A. GRCh37 (hg19) VCF-style: chr9-98079699-G-A.
Other names: c.-79+109C>T (NM_001243744.2).
Identifiers: ClinVar variation 4881495 (VCV004881495.2).